The following is an entry in ClinVar:

ClinVar aggregate classification (germline): Uncertain significance (1 of 4 stars; one submission).

Conditions:
Ehlers-Danlos syndrome, spondylodysplastic type, 2 (EDSSPD2). Also called: Ehlers-Danlos syndrome, progeroid type, 2. Identifiers: Orphanet 536467, Orphanet 75496, MedGen C3809210, MONDO:0014139, OMIM 615349.
Spondyloepimetaphyseal dysplasia with joint laxity (SEMDJL). Identifiers: MedGen C0432243, MONDO:0019675.

gnomAD v4.1: 3 of 1,118,818 alleles (0.00027%); highest among the groups gnomAD compares: Admixed American, 0.01%; no homozygotes.

Submission:

Labcorp Genetics (formerly Invitae), Labcorp
Classification: Uncertain significance for Ehlers-Danlos syndrome, spondylodysplastic type, 2; Spondyloepimetaphyseal dysplasia with joint laxity. Last evaluated: 2021-09-02. Review status: criteria provided, single submitter. Criteria: Invitae Variant Classification Sherloc (09022015). Collection method: clinical testing. Allele origin: germline.
Comment: This sequence change replaces threonine with arginine at codon 79 of the B3GALT6 protein (p.Thr79Arg). The threonine residue is highly conserved and there is a moderate physicochemical difference between threonine and arginine. The frequency data for this variant in the population databases is considered unreliable, as metrics indicate insufficient coverage at this position in the ExAC database. This missense change has been observed in individual(s) with B3GALT6-related conditions (Invitae). ClinVar contains an entry for this variant (Variation ID: 568475). Algorithms developed to predict the effect of missense changes on protein structure and function are either unavailable or do not agree on the potential impact of this missense change (SIFT: "Deleterious"; PolyPhen-2: "Probably Damaging"; Align-GVGD: "Class C0"). This variant disrupts the p.Thr79 amino acid residue in B3GALT6. Other variant(s) that disrupt this residue have been determined to be pathogenic (PMID: 24766538). This suggests that this residue is clinically significant, and that variants that disrupt this residue are likely to be disease-causing. In summary, the available evidence is currently insufficient to determine the role of this variant in disease. Therefore, it has been classified as a Variant of Uncertain Significance.

Literature cited by the submitters: PubMed 24766538.

NM_080605.4(B3GALT6):c.236C>G (p.Thr79Arg)

Gene: B3GALT6 (beta-1,3-galactosyltransferase 6; plus strand). Cytogenetic location: 1p36.33.
Variant type: single nucleotide variant.
Coding change: c.236C>G on transcript NM_080605.4 (MANE Select); coding-DNA position 236, C replaced by G.
Protein change: p.Thr79Arg; replaces threonine 79 with arginine.
Molecular consequence: missense variant.
Genome position (GRCh38, 1-based): chr1:1,232,514, C>G. VCF-style: chr1-1232514-C-G. GRCh37 (hg19) VCF-style: chr1-1167894-C-G.
Other names: short protein forms T79R.
Identifiers: ClinVar variation 568475 (VCV000568475.7), dbSNP rs1409554936, ClinGen allele CA337823585.